The following is an entry in ClinVar:

NM_007294.4(BRCA1):c.1088A>C (p.Asn363Thr)

Gene: BRCA1 (BRCA1 DNA repair associated; minus strand). Cytogenetic location: 17q21.31.
Variant type: single nucleotide variant.
Coding change: c.1088A>C on transcript NM_007294.4 (MANE Select); coding-DNA position 1088, A replaced by C.
Protein change: p.Asn363Thr; replaces asparagine 363 with threonine.
Molecular consequence: missense variant. On other transcripts: intron variant (137).
Genome position (GRCh38, 1-based): chr17:43,094,443, T>G on the plus strand (A>C on the coding strand, the complement: BRCA1 is on the minus strand). VCF-style: chr17-43094443-T-G. GRCh37 (hg19) VCF-style: chr17-41246460-T-G.
Other names: c.664+301A>C (NM_001408442.1, NM_001408426.1, NM_001408436.1 and 12 more transcripts); c.947A>C, p.Asn316Thr (NM_001407738.1, NM_001407739.1, NM_001407942.1 and 29 more transcripts); c.787+301A>C (NM_001407982.1, NM_001407970.1, NM_001407980.1 and 19 more transcripts); c.944A>C, p.Asn315Thr (NM_001407740.1, NM_001407741.1, NM_001407746.1 and 20 more transcripts); c.878A>C, p.Asn293Thr (NM_001407887.1, NM_001407889.1, NM_001407900.1 and 13 more transcripts); c.875A>C, p.Asn292Thr (NM_001407894.1, NM_001407895.1, NM_001407896.1 and 9 more transcripts); c.965A>C, p.Asn322Thr (NM_001407919.1, NM_001407937.1, NM_001407938.1 and 19 more transcripts); c.824A>C, p.Asn275Thr (NM_001407920.1, NM_001407921.1, NM_001407922.1 and 9 more transcripts); and 40 more; short protein forms N195T, N235T, N236T, N251T, N252T, N274T, N275T, N292T.
Identifiers: ClinVar variation 1718956 (VCV001718956.8), dbSNP rs2154476858, ClinGen allele CA10599883.

ClinVar aggregate classification (germline): Conflicting classifications of pathogenicity. Review status: criteria provided, conflicting classifications (1 of 4 stars). 2 submissions from 2 submitters: Uncertain significance (1); Likely benign (1). Last evaluated 2023-03-23.

Conditions:
Hereditary cancer-predisposing syndrome. Also called: Hereditary neoplastic syndrome; Neoplastic Syndromes, Hereditary; Hereditary Cancer Syndrome; Tumor predisposition. Identifiers: Orphanet 140162, MedGen C0027672, MeSH D009386, MONDO:0015356.
Hereditary breast ovarian cancer syndrome. Also called: BRCA1- and BRCA2-Associated Hereditary Breast and Ovarian Cancer; Hereditary breast and ovarian cancer syndrome (HBOC); Hereditary breast and/or ovarian cancer syndrome; Hereditary breast and ovarian cancer syndrome; Hereditary breast and ovarian cancer; Breast and ovarian cancer. Identifiers: Orphanet 145, MedGen C0677776, MeSH D061325, MONDO:0003582. Disease mechanism: loss of function.

Submissions (2):

University of Washington Department of Laboratory Medicine, University of Washington
Classification: Likely benign for Hereditary cancer-predisposing syndrome. Last evaluated: 2023-03-23. Review status: criteria provided, single submitter. Criteria: Dines et al. (Genet Med. 2020). Collection method: curation. Allele origin: germline.
Comment: Missense variant in a coldspot region where missense variants are very unlikely to be pathogenic (PMID:31911673).

BRCA1 coldspot (exon 11 using historical exon numbering). Reclassification based on statistical prior probability

Labcorp Genetics (formerly Invitae), Labcorp
Classification: Uncertain significance for Hereditary breast ovarian cancer syndrome. Last evaluated: 2022-09-06. Review status: criteria provided, single submitter. Criteria: Invitae Variant Classification Sherloc (09022015). Collection method: clinical testing. Allele origin: germline.
Comment: This sequence change replaces asparagine, which is neutral and polar, with threonine, which is neutral and polar, at codon 363 of the BRCA1 protein (p.Asn363Thr). This variant is not present in population databases (gnomAD no frequency). In summary, the available evidence is currently insufficient to determine the role of this variant in disease. Therefore, it has been classified as a Variant of Uncertain Significance. Advanced modeling of protein sequence and biophysical properties (such as structural, functional, and spatial information, amino acid conservation, physicochemical variation, residue mobility, and thermodynamic stability) performed at Invitae indicates that this missense variant is not expected to disrupt BRCA1 protein function. This variant has not been reported in the literature in individuals affected with BRCA1-related conditions.